The following is an entry in ClinVar:

NM_000057.4(BLM):c.3545A>G (p.Asn1182Ser)

Gene: BLM (BLM RecQ like helicase; plus strand). Cytogenetic location: 15q26.1.
Variant type: single nucleotide variant.
Coding change: c.3545A>G on transcript NM_000057.4 (MANE Select); coding-DNA position 3545, A replaced by G.
Protein change: p.Asn1182Ser; replaces asparagine 1182 with serine.
Molecular consequence: missense variant. On other transcripts: intron variant (1).
Genome position (GRCh38, 1-based): chr15:90,803,707, A>G. VCF-style: chr15-90803707-A-G. GRCh37 (hg19) VCF-style: chr15-91346937-A-G.
Other names: c.3545A>G, p.Asn1182Ser (NM_001287246.2); c.2420A>G, p.Asn807Ser (NM_001287248.2); c.3358+5370A>G (NM_001287247.2); short protein forms N1182S, N807S.
Identifiers: ClinVar variation 1419577 (VCV001419577.7), dbSNP rs767771169, ClinGen allele CA393847832.

ClinVar aggregate classification (germline): Uncertain significance. Review status: criteria provided, multiple submitters, no conflicts (2 of 4 stars). 2 submissions from 2 submitters: Uncertain significance (2). Last evaluated 2022-04-06.

Conditions:
Bloom syndrome (BLM). Also called: Bloom-Torre-Machacek syndrome. Identifiers: Orphanet 125, MedGen C0005859, MONDO:0008876, OMIM 210900.
Hereditary cancer-predisposing syndrome. Also called: Neoplastic Syndromes, Hereditary; Hereditary Cancer Syndrome; Hereditary neoplastic syndrome; Tumor predisposition. Identifiers: Orphanet 140162, MedGen C0027672, MeSH D009386, MONDO:0015356.

Submissions (2):

Ambry Genetics
Classification: Uncertain significance for Hereditary cancer-predisposing syndrome. Last evaluated: 2022-04-06. Review status: criteria provided, single submitter. Criteria: Ambry Variant Classification Scheme 2023. Collection method: clinical testing. Allele origin: germline.
Comment: The p.N1182S variant (also known as c.3545A>G), located in coding exon 17 of the BLM gene, results from an A to G substitution at nucleotide position 3545. The asparagine at codon 1182 is replaced by serine, an amino acid with highly similar properties. This amino acid position is conserved. In addition, this alteration is predicted to be tolerated by in silico analysis. Since supporting evidence is limited at this time, the clinical significance of this alteration remains unclear.

Labcorp Genetics (formerly Invitae), Labcorp
Classification: Uncertain significance for Bloom syndrome. Last evaluated: 2021-08-14. Review status: criteria provided, single submitter. Criteria: Invitae Variant Classification Sherloc (09022015). Collection method: clinical testing. Allele origin: germline.
Comment: This sequence change replaces asparagine with serine at codon 1182 of the BLM protein (p.Asn1182Ser). The asparagine residue is weakly conserved and there is a small physicochemical difference between asparagine and serine. This variant is not present in population databases (ExAC no frequency). This variant has not been reported in the literature in individuals affected with BLM-related conditions. Algorithms developed to predict the effect of missense changes on protein structure and function output the following: SIFT: "Tolerated"; PolyPhen-2: "Benign"; Align-GVGD: "Class C0". The serine amino acid residue is found in multiple mammalian species, which suggests that this missense change does not adversely affect protein function. In summary, the available evidence is currently insufficient to determine the role of this variant in disease. Therefore, it has been classified as a Variant of Uncertain Significance.